The following is an entry in ClinVar:

NM_001373.1:c.9011T>C

Gene: DNAH14 (dynein axonemal heavy chain 14; plus strand).
Variant type: single nucleotide variant.
Identifiers: ClinVar variation 4686304 (VCV004686304.1).

ClinVar aggregate classification (germline): Uncertain significance (1 of 4 stars; one submission).

Submission:

GeneDx
Classification: Uncertain significance. Last evaluated: 2025-07-17. Review status: criteria provided, single submitter. Criteria: GeneDx Variant Classification Process June 2021. Collection method: clinical testing. Allele origin: germline. Affected: yes.
Comment: In silico analysis suggests that this missense variant does not alter protein structure/function; Has not been previously published as pathogenic or benign to our knowledge